The following is an entry in ClinVar:

NM_006929.5(SKIC2):c.354+1G>T

Gene: SKIC2 (SKI2 subunit of superkiller complex; plus strand). Cytogenetic location: 6p21.33.
Variant type: single nucleotide variant.
Coding change: c.354+1G>T on transcript NM_006929.5 (MANE Select); the canonical splice donor site of the intron after coding-DNA position 354, G replaced by T.
Molecular consequence: splice donor variant.
Genome position (GRCh38, 1-based): chr6:31,960,338, G>T. VCF-style: chr6-31960338-G-T. GRCh37 (hg19) VCF-style: chr6-31928115-G-T.
Identifiers: ClinVar variation 4781235 (VCV004781235.1).

ClinVar aggregate classification (germline): Likely pathogenic (1 of 4 stars; one submission).

gnomAD v4.1: 3 of 1,612,280 alleles (0.00019%); highest among the groups gnomAD compares: Admixed American, 0.005%; no homozygotes.

Submission:

Labcorp Genetics (formerly Invitae), Labcorp
Classification: Likely pathogenic. Last evaluated: 2025-05-13. Review status: criteria provided, single submitter. Criteria: Invitae Variant Classification Sherloc (09022015). Collection method: clinical testing. Allele origin: germline.
Comment: This sequence change affects a donor splice site in intron 4 of the SKIV2L gene. It is expected to disrupt RNA splicing. Variants that disrupt the donor or acceptor splice site typically lead to a loss of protein function (PMID: 16199547), and loss-of-function variants in SKIV2L are known to be pathogenic (PMID: 22444670). This variant is present in population databases (no rsID available, gnomAD 0.006%). This variant has not been reported in the literature in individuals affected with SKIV2L-related conditions. Algorithms developed to predict the effect of sequence changes on RNA splicing suggest that this variant may disrupt the consensus splice site. In summary, the currently available evidence indicates that the variant is pathogenic, but additional data are needed to prove that conclusively. Therefore, this variant has been classified as Likely Pathogenic.

Literature cited by the submitters: PubMed 16199547; PubMed 22444670.